The following is an entry in ClinVar:

NM_014000.3(VCL):c.327T>G (p.Ile109Met)

Gene: VCL (vinculin; plus strand). Cytogenetic location: 10q22.2.
Variant type: single nucleotide variant.
Coding change: c.327T>G on transcript NM_014000.3 (MANE Select); coding-DNA position 327, T replaced by G.
Protein change: p.Ile109Met; replaces isoleucine 109 with methionine.
Molecular consequence: missense variant.
Genome position (GRCh38, 1-based): chr10:74,070,757, T>G. VCF-style: chr10-74070757-T-G. GRCh37 (hg19) VCF-style: chr10-75830515-T-G.
Other names: c.327T>G, p.Ile109Met (NM_003373.4); short protein forms I109M.
Identifiers: ClinVar variation 2821700 (VCV002821700.3), dbSNP rs1270016922, ClinGen allele CA377265955.

ClinVar aggregate classification (germline): Uncertain significance (1 of 4 stars; one submission).

Conditions:
Dilated cardiomyopathy 1W (CMD1W). Identifiers: Orphanet 154, MedGen C1969639, MONDO:0012667, OMIM 611407.

Allele frequency attached by ClinVar (database versions not stated): TOPMed below 0.00001.

Submission:

Labcorp Genetics (formerly Invitae), Labcorp
Classification: Uncertain significance for Dilated cardiomyopathy 1W. Last evaluated: 2022-12-31. Review status: criteria provided, single submitter. Criteria: Invitae Variant Classification Sherloc (09022015). Collection method: clinical testing. Allele origin: germline.
Comment: In summary, the available evidence is currently insufficient to determine the role of this variant in disease. Therefore, it has been classified as a Variant of Uncertain Significance. Algorithms developed to predict the effect of missense changes on protein structure and function are either unavailable or do not agree on the potential impact of this missense change (SIFT: "Not Available"; PolyPhen-2: "Probably Damaging"; Align-GVGD: "Not Available"). This variant has not been reported in the literature in individuals affected with VCL-related conditions. This variant is not present in population databases (gnomAD no frequency). This sequence change replaces isoleucine, which is neutral and non-polar, with methionine, which is neutral and non-polar, at codon 109 of the VCL protein (p.Ile109Met).